The following is an entry in ClinVar:

ClinVar aggregate classification (germline): Likely benign (1 of 4 stars; one submission).

Allele frequency attached by ClinVar (database versions not stated): gnomAD 0.00004; TOPMed 0.00004.
gnomAD v4.1: 30 of 1,199,133 alleles (0.0025%); highest among the groups gnomAD compares: Middle Eastern, 0.046%; no homozygotes.

Submission:

CeGaT Center for Human Genetics Tuebingen
Classification: Likely benign. Last evaluated: 2023-12-01. Review status: criteria provided, single submitter. Criteria: CeGaT Center For Human Genetics Tuebingen Variant Classification Criteria Version 2. Collection method: clinical testing. Allele origin: germline. Affected: yes. Observed: 1 variant allele.
Comment: ARHGAP4: BP4

NM_001666.5(ARHGAP4):c.2415-5C>T

Gene: ARHGAP4 (Rho GTPase activating protein 4; minus strand). Cytogenetic location: Xq28.
Variant type: single nucleotide variant.
Coding change: c.2415-5C>T on transcript NM_001666.5 (MANE Select); 5 bases into the intron before coding-DNA position 2415, C replaced by T.
Molecular consequence: intron variant.
Genome position (GRCh38, 1-based): chrX:153,909,540, G>A on the plus strand (C>T on the coding strand, the complement: ARHGAP4 is on the minus strand). VCF-style: chrX-153909540-G-A. GRCh37 (hg19) VCF-style: chrX-153174994-G-A.
Other names: c.2535-5C>T (NM_001164741.2).
Identifiers: ClinVar variation 3025745 (VCV003025745.22), dbSNP rs1391237838, ClinGen allele CA519254969.